The following is an entry in ClinVar:

NM_198578.4(LRRK2):c.5048C>G (p.Pro1683Arg)

Gene: LRRK2 (leucine rich repeat kinase 2; plus strand). Cytogenetic location: 12q12.
Variant type: single nucleotide variant.
Coding change: c.5048C>G on transcript NM_198578.4 (MANE Select); coding-DNA position 5048, C replaced by G.
Protein change: p.Pro1683Arg; replaces proline 1683 with arginine.
Molecular consequence: missense variant.
Genome position (GRCh38, 1-based): chr12:40,321,066, C>G. VCF-style: chr12-40321066-C-G. GRCh37 (hg19) VCF-style: chr12-40714868-C-G.
Other names: short protein forms P1683R.
Identifiers: ClinVar variation 3229679 (VCV003229679.1), dbSNP rs2136884941, ClinGen allele CA384419877.
Genomic context (GRCh38, chr12:40,321,066, plus strand): 5'-TATAACCATAGTGTCCTTTTGCCTTTAGTTTGTCTGACCACAGGCCTGTGATAGAGCTTC[C>G]CCATTGTGAGAACTCTGAAATTATCATCCGACTATATGAAATGCCTTATTTTCCAATGGG-3'
Protein context (NP_940980.4, residues 1673-1693): LSDHRPVIEL[Pro1683Arg]HCENSEIIIR

ClinVar aggregate classification (germline): Uncertain significance (1 of 4 stars; one submission).

Conditions:
Inborn genetic diseases. Identifiers: MedGen C0950123, MeSH D030342.

Submission:

Ambry Genetics
Classification: Uncertain significance for Inborn genetic diseases. Last evaluated: 2024-02-23. Review status: criteria provided, single submitter. Criteria: Ambry Variant Classification Scheme 2023. Collection method: clinical testing. Allele origin: germline.
Comment: The p.P1683R variant (also known as c.5048C>G), located in coding exon 35 of the LRRK2 gene, results from a C to G substitution at nucleotide position 5048. The proline at codon 1683 is replaced by arginine, an amino acid with dissimilar properties. This amino acid position is conserved. In addition, this alteration is predicted to be deleterious by in silico analysis. Based on the available evidence, the clinical significance of this alteration remains unclear.